The following is an entry in ClinVar:

ClinVar aggregate classification (germline): Uncertain significance (1 of 4 stars; one submission).

Conditions:
Dyskeratosis congenita. Identifiers: Orphanet 1775, MedGen C0265965, MONDO:0015780.

Allele frequency attached by ClinVar (database versions not stated): gnomAD exomes below 0.00001.
gnomAD v4.1: 1 of 1,553,954 alleles (0.000064%); highest among the groups gnomAD compares: Non-Finnish European, 0.000087%; no homozygotes.

Submission:

Ambry Genetics
Classification: Uncertain significance for Dyskeratosis congenita. Last evaluated: 2023-07-18. Review status: criteria provided, single submitter. Criteria: Ambry Variant Classification Scheme 2023. Collection method: clinical testing. Allele origin: germline.
Comment: The p.P370H variant (also known as c.1109C>A), located in coding exon 2 of the TERT gene, results from a C to A substitution at nucleotide position 1109. The proline at codon 370 is replaced by histidine, an amino acid with similar properties. This amino acid position is conserved. In addition, the in silico prediction for this alteration is inconclusive. Since supporting evidence is limited at this time, the clinical significance of this alteration remains unclear.

NM_198253.3(TERT):c.1109C>A (p.Pro370His)

Gene: TERT (telomerase reverse transcriptase; minus strand). Cytogenetic location: 5p15.33.
Variant type: single nucleotide variant.
Coding change: c.1109C>A on transcript NM_198253.3 (MANE Select); coding-DNA position 1109, C replaced by A.
Protein change: p.Pro370His; replaces proline 370 with histidine.
Molecular consequence: missense variant. On other transcripts: non-coding transcript variant (2).
Genome position (GRCh38, 1-based): chr5:1,293,777, G>T on the plus strand (C>A on the coding strand, the complement: TERT is on the minus strand). VCF-style: chr5-1293777-G-T. GRCh37 (hg19) VCF-style: chr5-1293892-G-T.
Other names: c.1109C>A, p.Pro370His (NM_001193376.3, NM_003219.1); short protein forms P370H.
Identifiers: ClinVar variation 3238544 (VCV003238544.1), dbSNP rs2478414536.